The following is an entry in ClinVar:

ClinVar aggregate classification (germline): Pathogenic. Review status: reviewed by expert panel (3 of 4 stars). 30 submissions from 26 submitters: Pathogenic (1). 29 of the submissions do not count toward it. Last evaluated 2016-04-22.

Conditions:
BRCA1-related cancer predisposition. Identifiers: MedGen CN377757, MONDO:0700268.
Breast and/or ovarian cancer. Identifiers: MedGen CN221562.
Hereditary cancer-predisposing syndrome. Also called: Neoplastic Syndromes, Hereditary; Tumor predisposition; Hereditary Cancer Syndrome; Hereditary neoplastic syndrome. Identifiers: Orphanet 140162, MedGen C0027672, MeSH D009386, MONDO:0015356.
Hereditary breast ovarian cancer syndrome. Also called: Hereditary breast and ovarian cancer; Breast and ovarian cancer; Hereditary breast and/or ovarian cancer syndrome; Hereditary breast and ovarian cancer syndrome (HBOC); Hereditary breast and ovarian cancer syndrome; BRCA1- and BRCA2-Associated Hereditary Breast and Ovarian Cancer. Identifiers: Orphanet 145, MedGen C0677776, MeSH D061325, MONDO:0003582. Disease mechanism: loss of function.
Carcinoma of pancreas. Also called: Pancreatic cancer, somatic; Pancreatic carcinoma, somatic; PANCREATIC ACINAR CARCINOMA; PANCREATIC CARCINOMA; Exocrine pancreatic carcinoma. Identifiers: Orphanet 1333, Orphanet 217074, MedGen C0235974, MONDO:0005192. Disease mechanism: loss of function.
Endometrial carcinoma. Also called: Endometrial carcinoma, somatic. Identifiers: MedGen C0476089, MONDO:0002447, OMIM 608089, HP:0012114.
Breast-ovarian cancer, familial, susceptibility to, 1 (BROVCA1). Also called: OVARIAN CANCER, SUSCEPTIBILITY TO; BRCA1 Hereditary Breast and Ovarian Cancer. Identifiers: Orphanet 145, MedGen C2676676, MONDO:0011450, OMIM 604370. Disease mechanism: loss of function.
Familial cancer of breast. Also called: BREAST CANCER, FAMILIAL; Hereditary breast cancer; hereditary breast carcinoma. Identifiers: Orphanet 227535, MedGen C0346153, MONDO:0016419, OMIM 114480. Disease mechanism: loss of function.

Allele frequency attached by ClinVar (database versions not stated): gnomAD exomes 0.00001.

Submissions 1 to 7 of 30:

Evidence-based Network for the Interpretation of Germline Mutant Alleles (ENIGMA)
Classification: Pathogenic for Breast-ovarian cancer, familial, susceptibility to, 1. Last evaluated: 2016-04-22. Review status: reviewed by expert panel. Criteria: ENIGMA BRCA1/2 Classification Criteria (2015). Collection method: curation. Allele origin: germline.
Comment: Variant allele predicted to encode a truncated non-functional protein.

Institute of Human Genetics, University of Leipzig Medical Center
Classification: Pathogenic for Breast-ovarian cancer, familial, susceptibility to, 1. Last evaluated: 2026-06-01. Review status: criteria provided, single submitter. Criteria: ACMG Guidelines, 2015. Collection method: clinical testing. Allele origin: unknown. Inheritance: Autosomal dominant inheritance. Affected: yes. Not counted in ClinVar's aggregate classification.
Comment: Criteria applied: PVS1,PP4_VSTR,PM5_STR,PM2_SUP

Labcorp Genetics (formerly Invitae), Labcorp
Classification: Pathogenic for Hereditary breast ovarian cancer syndrome. Last evaluated: 2025-11-10. Review status: criteria provided, single submitter. Criteria: Invitae Variant Classification Sherloc (09022015). Collection method: clinical testing. Allele origin: germline. Not counted in ClinVar's aggregate classification.
Comment: This sequence change creates a premature translational stop signal (p.Gln804Leufs*5) in the BRCA1 gene. It is expected to result in an absent or disrupted protein product. Loss-of-function variants in BRCA1 are known to be pathogenic (PMID: 20104584). This variant is not present in population databases (gnomAD no frequency). This premature translational stop signal has been observed in individual(s) with breast and/or ovarian cancer (PMID: 10667595, 16168118, 18489799, 25777348, 26681312). This variant is also known as 2530delAG. ClinVar contains an entry for this variant (Variation ID: 37466). For these reasons, this variant has been classified as Pathogenic.

Institute of Immunology and Genetics Kaiserslautern
Classification: Pathogenic for Breast-ovarian cancer, familial, susceptibility to, 1. Last evaluated: 2025-07-30. Review status: criteria provided, single submitter. Criteria: ACMG Guidelines, 2015. Collection method: clinical testing. Allele origin: germline. Affected: yes. Not counted in ClinVar's aggregate classification.
Comment: ACMG Criteria: PVS1, PM2, PP5_M.

Variantyx, Inc.
Classification: Pathogenic for Breast-ovarian cancer, familial, susceptibility to, 1. Last evaluated: 2025-04-03. Review status: criteria provided, single submitter. Criteria: Variantyx Assertion Criteria 2022. Collection method: clinical testing. Allele origin: germline. Inheritance: Autosomal dominant inheritance. Not counted in ClinVar's aggregate classification.
Comment: This is a frameshift variant in the BRCA1 gene (OMIM: 113705). Pathogenic variants in this gene have been associated with autosomal dominant susceptibility to familial breast-ovarian cancer 1. This variant introduces a premature termination codon in exon 10 out of 23 and is expected to result in loss of function, which is a known disease mechanism for BRCA1 (PMID: 20104584) (PVS1). This is a well-documented variant and it was idnetified in multiple families in a study be The Consortium of Investigators of Modifiers of BRCA1/2 (CIMBA) (PMID:29446198). In addition, it has been reported in the heterozygous state in multiple unrelated affected individuals with breast and/or ovarian cancer (PMID: 10667595, 16168118, 18489799, 25777348, 26681312). Protein termination codon (PTC) variant in an exon where a different proven pathogenic PTC variant has been previously reported in similarly affected individuals (ENIGMA ClinGen Variant Curation Expert Panel (VCEP)) (PM5_Strong). This variant has a 0.0011% maximum allele frequency in non-founder control populations. Based on the current evidence, this variant is classified as pathogenic for autosomal dominant susceptibility to familial breast-ovarian cancer 1.

All of Us Research Program, National Institutes of Health
Classification: Pathogenic for BRCA1-related cancer predisposition. Last evaluated: 2024-07-29. Review status: criteria provided, single submitter. Criteria: ACMG Guidelines, 2015. Collection method: clinical testing. Allele origin: germline. Inheritance: Autosomal dominant inheritance. Observed: 5 variant alleles, 5 heterozygotes. Not counted in ClinVar's aggregate classification.
Comment: This variant deletes 2 nucleotides in exon 10 of the BRCA1 gene, creating a frameshift and premature translation stop signal. This variant is expected to result in an absent or non-functional protein product. This variant has been reported in individuals and families affected with breast and/or ovarian cancer (PMID: 11802209, 12566964, 16168118, 16284991, 16685647, 18489799, 19147582, 19340607, 25452441, 25777348, 26681312, 28324225, 30257646, 30702160), and has been identified in 54 families among the CIMBA participants (PMID: 29446198). This variant has not been identified in the general population by the Genome Aggregation Database (gnomAD). Loss of BRCA1 function is a known mechanism of disease. Based on the available evidence, this variant is classified as Pathogenic.

This study involves interpretation of variants in research participants for the purpose of population health screening. Participant phenotype was not available at the time of variant classification. Additional details can be found in publication PMID: 35346344, PMCID: PMC8962531

Color Diagnostics, LLC DBA Color Health
Classification: Pathogenic for Hereditary cancer-predisposing syndrome. Last evaluated: 2024-05-22. Review status: criteria provided, single submitter. Criteria: ACMG Guidelines, 2015. Collection method: clinical testing. Allele origin: germline. Not counted in ClinVar's aggregate classification.
Comment: This variant deletes 2 nucleotides in exon 10 of the BRCA1 gene, creating a frameshift and premature translation stop signal. This variant is expected to result in an absent or non-functional protein product. This variant has been reported in individuals and families affected with breast and/or ovarian cancer (PMID: 11802209, 12566964, 16168118, 16284991, 16685647, 18489799, 19147582, 19340607, 25452441, 25777348, 26681312, 28324225, 30257646, 30702160), and has been identified in 54 families among the CIMBA participants (PMID: 29446198). This variant has not been identified in the general population by the Genome Aggregation Database (gnomAD). Loss of BRCA1 function is a known mechanism of disease. Based on the available evidence, this variant is classified as Pathogenic.

NM_007294.4(BRCA1):c.2411_2412del (p.Gln804fs)

Gene: BRCA1 (BRCA1 DNA repair associated; minus strand). Cytogenetic location: 17q21.31.
Variant type: Deletion.
Coding change: c.2411_2412del on transcript NM_007294.4 (MANE Select); coding-DNA positions 2411 to 2412, 2 bases deleted (AG; older notation c.2411_2412delAG).
Protein change: p.Gln804fs; shifts the reading frame from glutamine 804.
Molecular consequence: frameshift variant. On other transcripts: intron variant (137).
Genome position (GRCh38, 1-based): chr17:43,093,119-43,093,120, CT deleted on the plus strand (AG on the coding strand, the reverse complement: BRCA1 is on the minus strand). VCF-style (leftmost placement, unchanged base first): chr17-43093118-ACT-A. GRCh37 (hg19) VCF-style: chr17-41245135-ACT-A.
Other names: 2530_2531delAG; 2530delAG; c.2075_2076del, p.Gln692fs (NM_001407956.1, NM_001407954.1, NM_001407955.1 and 1 more transcripts); c.2270_2271del, p.Gln757fs (NM_007297.4, NM_001407725.1, NM_001407726.1 and 29 more transcripts); c.2411_2412del, p.Gln804fs (NM_007300.4, NM_001407581.1, NM_001407582.1 and 30 more transcripts); c.646+1624_646+1625del (NM_001408458.1, NM_001408469.1, NM_001408453.1 and 11 more transcripts); c.283+1624_283+1625del (NM_001408512.1); c.406+1624_406+1625del (NM_001408510.1); and 43 more; short protein forms Q757fs, Q804fs, Q692fs, Q716fs, Q736fs, Q508fs, Q676fs, Q734fs.
Identifiers: ClinVar variation 37466 (VCV000037466.91), dbSNP rs80357664, ClinGen allele CA001605.